The following is an entry in ClinVar:

NM_001023.4(RPS20):c.3+2T>C

Gene: RPS20 (ribosomal protein S20; minus strand). Cytogenetic location: 8q12.1.
Variant type: single nucleotide variant.
Coding change: c.3+2T>C on transcript NM_001023.4 (MANE Select); the canonical splice donor site of the intron after coding-DNA position 3, T replaced by C.
Molecular consequence: splice donor variant.
Genome position (GRCh38, 1-based): chr8:56,074,379, A>G on the plus strand (T>C on the coding strand, the complement: RPS20 is on the minus strand). VCF-style: chr8-56074379-A-G. GRCh37 (hg19) VCF-style: chr8-56986938-A-G.
Other names: c.3+2T>C (NM_001146227.3).
Identifiers: ClinVar variation 4730071 (VCV004730071.1).

ClinVar aggregate classification (germline): Uncertain significance (1 of 4 stars; one submission).

Submission:

Labcorp Genetics (formerly Invitae), Labcorp
Classification: Uncertain significance. Last evaluated: 2025-10-31. Review status: criteria provided, single submitter. Criteria: Invitae Variant Classification Sherloc (09022015). Collection method: clinical testing. Allele origin: germline.
Comment: This sequence change affects a donor splice site in intron 1 of the RPS20 gene. It is expected to disrupt RNA splicing. Variants that disrupt the donor or acceptor splice site typically lead to a loss of protein function (PMID: 16199547), however the current clinical and genetic evidence is not sufficient to establish whether loss-of-function variants in RPS20 cause disease. This variant is not present in population databases (gnomAD no frequency). This variant has not been reported in the literature in individuals affected with RPS20-related conditions. Algorithms developed to predict the effect of sequence changes on RNA splicing suggest that this variant may disrupt the consensus splice site. In summary, the available evidence is currently insufficient to determine the role of this variant in disease. Therefore, it has been classified as a Variant of Uncertain Significance.

Literature cited by the submitters: PubMed 16199547.